The following is an entry in ClinVar:

ClinVar aggregate classification (germline): Uncertain significance. Review status: criteria provided, multiple submitters, no conflicts (2 of 4 stars). 5 submissions from 5 submitters: Uncertain significance (4). 1 of the submissions does not count toward it. Last evaluated 2025-10-15.

Conditions:
Hypertrophic cardiomyopathy 26. Also called: Cardiomyopathy, familial hypertrophic, 26. Identifiers: Orphanet 75249, MedGen C4310749, MONDO:0014883, OMIM 617047.
Distal myopathy with posterior leg and anterior hand involvement. Also called: WILLIAMS DISTAL MYOPATHY. Identifiers: Orphanet 63273, MedGen C3279722, MONDO:0013550, OMIM 614065.
Myofibrillar myopathy 5. Also called: Filaminopathy (type); FILAMINOPATHY, AUTOSOMAL DOMINANT. Identifiers: Orphanet 171445, MedGen C1836050, MONDO:0012289, OMIM 609524.
FLNC-related disorder. Also called: FLNC-related disorders; FLNC-related condition.
Cardiovascular phenotype. Identifiers: MedGen CN230736.

Allele frequency attached by ClinVar (database versions not stated): gnomAD 0.00001; TOPMed 0.00001.
gnomAD v4.1: 24 of 1,613,586 alleles (0.0015%); highest among the groups gnomAD compares: Non-Finnish European, 0.002%; no homozygotes.

Submissions (5):

Labcorp Genetics (formerly Invitae), Labcorp
Classification: Uncertain significance for Distal myopathy with posterior leg and anterior hand involvement; Myofibrillar myopathy 5; Hypertrophic cardiomyopathy 26. Last evaluated: 2025-10-15. Review status: criteria provided, single submitter. Criteria: Invitae Variant Classification Sherloc (09022015). Collection method: clinical testing. Allele origin: germline.
Comment: This sequence change replaces aspartic acid, which is acidic and polar, with asparagine, which is neutral and polar, at codon 1816 of the FLNC protein (p.Asp1816Asn). This variant is not present in population databases (gnomAD no frequency). This variant has not been reported in the literature in individuals affected with FLNC-related conditions. ClinVar contains an entry for this variant (Variation ID: 966895). Invitae Evidence Modeling of protein sequence and biophysical properties (such as structural, functional, and spatial information, amino acid conservation, physicochemical variation, residue mobility, and thermodynamic stability) has been performed for this missense variant. However, the output from this modeling did not meet the statistical confidence thresholds required to predict the impact of this variant on FLNC protein function. In summary, the available evidence is currently insufficient to determine the role of this variant in disease. Therefore, it has been classified as a Variant of Uncertain Significance.

Ambry Genetics
Classification: Uncertain significance for Cardiovascular phenotype. Last evaluated: 2025-01-06. Review status: criteria provided, single submitter. Criteria: Ambry Variant Classification Scheme 2023. Collection method: clinical testing. Allele origin: germline.
Comment: The p.D1816N variant (also known as c.5446G>A), located in coding exon 33 of the FLNC gene, results from a G to A substitution at nucleotide position 5446. The aspartic acid at codon 1816 is replaced by asparagine, an amino acid with highly similar properties. This amino acid position is conserved. In addition, the in silico prediction for this alteration is inconclusive. Since supporting evidence is limited at this time, the clinical significance of this alteration remains unclear.

GeneDx
Classification: Uncertain significance. Last evaluated: 2023-10-23. Review status: criteria provided, single submitter. Criteria: GeneDx Variant Classification Process June 2021. Collection method: clinical testing. Allele origin: germline. Affected: yes.
Comment: Not observed at significant frequency in large population cohorts (gnomAD); In silico analysis supports that this missense variant has a deleterious effect on protein structure/function; Has not been previously published as pathogenic or benign to our knowledge

Revvity Omics, Revvity
Classification: Uncertain significance. Last evaluated: 2021-01-07. Review status: criteria provided, single submitter. Criteria: ACMG Guidelines, 2015. Collection method: clinical testing. Allele origin: germline.

PreventionGenetics, part of Exact Sciences
Classification: Uncertain significance for FLNC-related condition. Last evaluated: 2023-11-30. Review status: no assertion criteria provided. Collection method: clinical testing. Allele origin: germline. Not counted in ClinVar's aggregate classification.
Comment: The FLNC c.5446G>A variant is predicted to result in the amino acid substitution p.Asp1816Asn. To our knowledge, this variant has not been reported in the literature or in a large population database, indicating this variant is rare. At this time, the clinical significance of this variant is uncertain due to the absence of conclusive functional and genetic evidence.

NM_001458.5(FLNC):c.5446G>A (p.Asp1816Asn)

Genes: FLNC (filamin C; plus strand), FLNC-AS1 (FLNC antisense RNA 1; minus strand). Cytogenetic location: 7q32.1.
Variant type: single nucleotide variant.
Coding change: c.5446G>A on transcript NM_001458.5 (MANE Select); coding-DNA position 5446, G replaced by A.
Protein change: p.Asp1816Asn; replaces aspartic acid 1816 with asparagine.
Molecular consequence: missense variant.
Genome position (GRCh38, 1-based): chr7:128,850,850, G>A. VCF-style: chr7-128850850-G-A. GRCh37 (hg19) VCF-style: chr7-128490904-G-A.
Other names: c.5347G>A, p.Asp1783Asn (NM_001127487.2); short protein forms D1783N, D1816N.
Identifiers: ClinVar variation 966895 (VCV000966895.18), dbSNP rs1198641168, ClinGen allele CA369206703.